The following is an entry in ClinVar:

ClinVar aggregate classification (germline): Uncertain significance. Review status: criteria provided, multiple submitters, no conflicts (2 of 4 stars). 3 submissions from 3 submitters: Uncertain significance (3). Last evaluated 2025-12-16.

Conditions:
Hereditary cancer-predisposing syndrome. Also called: Hereditary neoplastic syndrome; Neoplastic Syndromes, Hereditary; Tumor predisposition; Hereditary Cancer Syndrome. Identifiers: Orphanet 140162, MedGen C0027672, MeSH D009386, MONDO:0015356.
Hereditary diffuse gastric adenocarcinoma (HDGC). Also called: DIFFUSE GASTRIC AND LOBULAR BREAST CANCER SYNDROME. Identifiers: Orphanet 26106, MedGen C1708349, MONDO:0007648, OMIM 137215.

Allele frequency attached by ClinVar (database versions not stated): TOPMed below 0.00001; gnomAD 0.00001.
gnomAD v4.1: 2 of 1,614,002 alleles (0.00012%); highest among the groups gnomAD compares: African/African-American, 0.0027%; no homozygotes.

Submissions (3):

Labcorp Genetics (formerly Invitae), Labcorp
Classification: Uncertain significance for Hereditary diffuse gastric adenocarcinoma. Last evaluated: 2025-12-16. Review status: criteria provided, single submitter. Criteria: Invitae Variant Classification Sherloc (09022015). Collection method: clinical testing. Allele origin: germline.
Comment: This sequence change replaces glutamic acid, which is acidic and polar, with glutamine, which is neutral and polar, at codon 629 of the CDH1 protein (p.Glu629Gln). The frequency data for this variant in the population databases is considered unreliable, as metrics indicate poor data quality at this position in the gnomAD database. This variant has not been reported in the literature in individuals affected with CDH1-related conditions. ClinVar contains an entry for this variant (Variation ID: 483226). An algorithm developed to predict the effect of missense changes on protein structure and function (PolyPhen-2) suggests that this variant is likely to be disruptive. In summary, the available evidence is currently insufficient to determine the role of this variant in disease. Therefore, it has been classified as a Variant of Uncertain Significance.

Color Diagnostics, LLC DBA Color Health
Classification: Uncertain significance for Hereditary cancer-predisposing syndrome. Last evaluated: 2024-08-19. Review status: criteria provided, single submitter. Criteria: ACMG Guidelines, 2015. Collection method: clinical testing. Allele origin: germline.
Comment: This missense variant replaces glutamic acid with glutamine at codon 629 of the CDH1 protein. To our knowledge, functional studies have not been reported for this variant. This variant has not been reported in individuals affected with CDH1-related disorders in the literature. This variant has been identified in 1/31396 chromosomes in the general population by the Genome Aggregation Database (gnomAD). The available evidence is insufficient to determine the role of this variant in disease conclusively. Therefore, this variant is classified as a Variant of Uncertain Significance.

Ambry Genetics
Classification: Uncertain significance for Hereditary cancer-predisposing syndrome. Last evaluated: 2023-12-27. Review status: criteria provided, single submitter. Criteria: Ambry Variant Classification Scheme 2023. Collection method: clinical testing. Allele origin: germline.
Comment: The p.E629Q variant (also known as c.1885G>C), located in coding exon 12 of the CDH1 gene, results from a G to C substitution at nucleotide position 1885. The glutamic acid at codon 629 is replaced by glutamine, an amino acid with highly similar properties. This amino acid position is not well conserved in available vertebrate species. In addition, this alteration is predicted to be tolerated by in silico analysis. Since supporting evidence is limited at this time, the clinical significance of this alteration remains unclear.

NM_004360.5(CDH1):c.1885G>C (p.Glu629Gln)

Gene: CDH1 (cadherin 1; plus strand). Cytogenetic location: 16q22.1.
Variant type: single nucleotide variant.
Coding change: c.1885G>C on transcript NM_004360.5 (MANE Select); coding-DNA position 1885, G replaced by C.
Protein change: p.Glu629Gln; replaces glutamic acid 629 with glutamine.
Molecular consequence: missense variant. On other transcripts: 5 prime UTR variant (1).
Genome position (GRCh38, 1-based): chr16:68,822,174, G>C. VCF-style: chr16-68822174-G-C. GRCh37 (hg19) VCF-style: chr16-68856077-G-C.
Other names: c.1885G>C (LRG_301t1); c.1702G>C, p.Glu568Gln (NM_001317184.2); c.337G>C, p.Glu113Gln (NM_001317185.2); c.-81G>C (NM_001317186.2); short protein forms E629Q, E113Q, E568Q.
Identifiers: ClinVar variation 483226 (VCV000483226.16), dbSNP rs1028765743, ClinGen allele CA283312155.